The following is an entry in ClinVar:

NM_000380.4(XPA):c.284-31_284-8delinsGTC

Gene: XPA (XPA, DNA damage recognition and repair factor; minus strand). Cytogenetic location: 9q22.33.
Variant type: Indel.
Coding change: c.284-31_284-8delinsGTC on transcript NM_000380.4 (MANE Select); 31 bases into the intron before coding-DNA position 284 through 8 bases into the intron before coding-DNA position 284, AGGAAACTAGAGTTCATTTTCCTT replaced by GTC.
Molecular consequence: intron variant.
Genome position (GRCh38, 1-based): chr9:97,689,647-97,689,670, AAGGAAAATGAACTCTAGTTTCCT replaced by GAC on the plus strand (AGGAAACTAGAGTTCATTTTCCTT replaced by GTC on the coding strand, the reverse complement: XPA is on the minus strand). VCF-style: chr9-97689647-AAGGAAAATGAACTCTAGTTTCCT-GAC. GRCh37 (hg19) VCF-style: chr9-100451929-AAGGAAAATGAACTCTAGTTTCCT-GAC.
Other names: c.158-31_158-8delinsGTC (NM_001354975.2); c.284-31_284-8del24insGTC (NM_000380.3).
Identifiers: ClinVar variation 546389 (VCV000546389.3), dbSNP rs1554701985, ClinGen allele CA658821494.

ClinVar aggregate classification (germline): Likely pathogenic (1 of 4 stars; one submission).

Submission:

GeneDx
Classification: Likely pathogenic. Last evaluated: 2025-02-20. Review status: criteria provided, single submitter. Criteria: GeneDx Variant Classification Process June 2021. Collection method: clinical testing. Allele origin: germline. Affected: yes.
Comment: Not observed at significant frequency in large population cohorts (gnomAD); In silico analysis supports a deleterious effect on splicing; Has not been previously published as pathogenic or benign to our knowledge